The following is an entry in ClinVar:

ClinVar aggregate classification (germline): Conflicting classifications of pathogenicity. Review status: criteria provided, conflicting classifications (1 of 4 stars). 5 submissions from 5 submitters: Likely pathogenic (1); Likely benign (3). 1 of the submissions does not count toward it. Last evaluated 2025-11-03.

Conditions:
EP300-related disorder. Also called: EP300-related condition; EP300-related disorders.
Rubinstein-Taybi syndrome due to EP300 haploinsufficiency. Also called: EP300-Related Rubinstein-Taybi Syndrome; RUBINSTEIN-TAYBI SYNDROME 2. Identifiers: Orphanet 353284, Orphanet 783, MedGen C3150941, MONDO:0013364, OMIM 613684.

Submissions (5):

Labcorp Genetics (formerly Invitae), Labcorp
Classification: Likely benign for Rubinstein-Taybi syndrome due to EP300 haploinsufficiency. Last evaluated: 2025-11-03. Review status: criteria provided, single submitter. Criteria: Invitae Variant Classification Sherloc (09022015). Collection method: clinical testing. Allele origin: germline.

CeGaT Center for Human Genetics Tuebingen
Classification: Likely benign. Last evaluated: 2024-12-01. Review status: criteria provided, single submitter. Criteria: CeGaT Center For Human Genetics Tuebingen Variant Classification Criteria Version 2. Collection method: clinical testing. Allele origin: germline. Affected: yes. Observed: 2 variant alleles.
Comment: EP300: BS2

Blueprint Genetics
Classification: Likely benign. Last evaluated: 2024-11-19. Review status: criteria provided, single submitter. Criteria: ACMG Guidelines, 2015. Collection method: clinical testing. Allele origin: germline.

Center for Human Genetics, University of Leuven
Classification: Likely pathogenic for Rubinstein-Taybi syndrome due to EP300 haploinsufficiency. Last evaluated: 2015-01-01. Review status: criteria provided, single submitter. Criteria: Fieremans et al. (Hum Mutat 2016). Collection method: literature only. Allele origin: unknown. Inheritance: Sporadic. Affected: yes. Observed: 1 variant allele.

PreventionGenetics, part of Exact Sciences
Classification: Likely benign for EP300-related condition. Last evaluated: 2022-09-08. Review status: no assertion criteria provided. Collection method: clinical testing. Allele origin: germline. Not counted in ClinVar's aggregate classification.
Comment: This variant is classified as likely benign based on ACMG/AMP sequence variant interpretation guidelines (Richards et al. 2015 PMID: 25741868, with internal and published modifications).

NM_001429.4(EP300):c.6574_6585del (p.Gln2192_Gln2195del)

Gene: EP300 (EP300 lysine acetyltransferase; plus strand). Cytogenetic location: 22q13.2.
Variant type: Deletion.
Coding change: c.6574_6585del on transcript NM_001429.4 (MANE Select); coding-DNA positions 6574 to 6585, 12 bases deleted (CAGCAGCAACAG).
Protein change: p.Gln2192_Gln2195del.
Molecular consequence: inframe deletion.
Genome position (GRCh38, 1-based): chr22:41,178,285-41,178,296, CAGCAGCAACAG deleted; deleting any 12 consecutive bases within chr22:41,178,278-41,178,296 gives the same sequence; the c. name uses the placement nearest the transcript's 3' end. VCF-style (leftmost placement, unchanged base first): chr22-41178277-TGCAACAGCAGCA-T. GRCh37 (hg19) VCF-style: chr22-41574281-TGCAACAGCAGCA-T.
Other names: c.6496_6507del, p.Gln2166_Gln2169del (NM_001362843.2); c.6574_6585del12 (NM_001429.3).
Identifiers: ClinVar variation 225898 (VCV000225898.29), dbSNP rs875989807, ClinGen allele CA10253887.